The following is an entry in ClinVar:

NM_033056.4(PCDH15):c.4552G>T (p.Asp1518Tyr)

Gene: PCDH15 (protocadherin related 15; minus strand). Cytogenetic location: 10q21.1.
Variant type: single nucleotide variant.
Coding change: c.4552G>T on transcript NM_033056.4 (MANE Plus Clinical); coding-DNA position 4552, G replaced by T.
Protein change: p.Asp1518Tyr; replaces aspartic acid 1518 with tyrosine.
Molecular consequence: missense variant. On other transcripts: intron variant (8).
Genome position (GRCh38, 1-based): chr10:53,823,174, C>A on the plus strand (G>T on the coding strand, the complement: PCDH15 is on the minus strand). VCF-style: chr10-53823174-C-A. GRCh37 (hg19) VCF-style: chr10-55582934-C-A.
Other names: c.4573G>T, p.Asp1525Tyr (NM_001142763.2); c.4558G>T, p.Asp1520Tyr (NM_001142764.2); c.4345G>T, p.Asp1449Tyr (NM_001142765.2); c.4543G>T, p.Asp1515Tyr (NM_001142766.2); c.4432G>T, p.Asp1478Tyr (NM_001142767.2); c.4492G>T, p.Asp1498Tyr (NM_001142768.2); c.4483G>T, p.Asp1495Tyr (NM_001142773.2); c.4486G>T, p.Asp1496Tyr (NM_001354404.2); and 6 more; short protein forms D1495Y, D1515Y, D1520Y, D1498Y, D1449Y, D1478Y, D1496Y, D1518Y.
Identifiers: ClinVar variation 2068650 (VCV002068650.1), dbSNP rs768952458, ClinGen allele CA376527088.

ClinVar aggregate classification (germline): Uncertain significance (1 of 4 stars; one submission).

gnomAD v4.1: 2 of 1,614,008 alleles (0.00012%); highest among the groups gnomAD compares: Admixed American, 0.0017%; no homozygotes.

Submission:

Labcorp Genetics (formerly Invitae), Labcorp
Classification: Uncertain significance. Last evaluated: 2022-07-13. Review status: criteria provided, single submitter. Criteria: Invitae Variant Classification Sherloc (09022015). Collection method: clinical testing. Allele origin: germline.
Comment: This sequence change replaces aspartic acid, which is acidic and polar, with tyrosine, which is neutral and polar, at codon 1518 of the PCDH15 protein (p.Asp1518Tyr). This variant is not present in population databases (gnomAD no frequency). This variant has not been reported in the literature in individuals affected with PCDH15-related conditions. Algorithms developed to predict the effect of missense changes on protein structure and function are either unavailable or do not agree on the potential impact of this missense change (SIFT: "Deleterious"; PolyPhen-2: "Probably Damaging"; Align-GVGD: "Class C0"). In summary, the available evidence is currently insufficient to determine the role of this variant in disease. Therefore, it has been classified as a Variant of Uncertain Significance.